The following is an entry in ClinVar:

NM_000088.4(COL1A1):c.2848G>A (p.Gly950Arg)

Gene: COL1A1 (collagen type I alpha 1 chain; minus strand). Cytogenetic location: 17q21.33.
Variant type: single nucleotide variant.
Coding change: c.2848G>A on transcript NM_000088.4 (MANE Select); coding-DNA position 2848, G replaced by A.
Protein change: p.Gly950Arg; replaces glycine 950 with arginine.
Molecular consequence: missense variant.
Genome position (GRCh38, 1-based): chr17:50,189,257, C>T on the plus strand (G>A on the coding strand, the complement: COL1A1 is on the minus strand). VCF-style: chr17-50189257-C-T. GRCh37 (hg19) VCF-style: chr17-48266618-C-T.
Other names: p.Gly950Arg; short protein forms G950R.
Identifiers: ClinVar variation 2431219 (VCV002431219.4), dbSNP rs72653160, ClinGen allele CA291543152.
Genomic context (GRCh38, chr17:50,189,257, plus strand): 5'-TCTCTCCTCTCTGACCAGGCAGGCCGACCACACCACGCTGTCCAGCAATACCTTGAGGCC[C>T]GGGAGTACCAGGAGCACCCTTTGGGAGGCAAACAGGGGTGAGGTGCCAGAGAGCAGCACA-3'
Protein context (NP_000079.2, residues 940-960): DGPAGAPGTP[Gly950Arg]PQGIAGQRGV

ClinVar aggregate classification (germline): Pathogenic/Likely pathogenic. Review status: criteria provided, multiple submitters, no conflicts (2 of 4 stars). 4 submissions from 4 submitters: Pathogenic (2); Likely pathogenic (2). Last evaluated 2026-01-12.

Conditions:
Osteogenesis imperfecta, perinatal lethal (OI2). Also called: OI, TYPE II; OSTEOGENESIS IMPERFECTA CONGENITA; VROLIK TYPE OF OSTEOGENESIS IMPERFECTA; OSTEOGENESIS IMPERFECTA, TYPE II; Osteogenesis imperfecta type 2; Osteogenesis imperfecta, dominant perinatal lethal. Identifiers: Orphanet 216804, MedGen C0268358, MONDO:0008147, OMIM 166210.
Autosomal dominant COL1A1-related disorders.

Submissions (4):

Variantyx, Inc.
Classification: Likely pathogenic for Autosomal dominant COL1A1-related disorders. Last evaluated: 2026-01-12. Review status: criteria provided, single submitter. Criteria: Variantyx Assertion Criteria 2022. Collection method: clinical testing. Allele origin: de novo. Inheritance: Autosomal dominant inheritance. Affected: yes.
Comment: This is a nonsynonymous variant in the COL1A1 gene (OMIM: 120150). Pathogenic variants in this gene have been associated with autosomal dominant COL1A1-related disorders. This variant has been reported in an affected individual with osteogenesis imperfecta type II, however, details were not available (PMID: 17078022). It lies within a known hotspot for pathogenic variants or a well-established critical functional domain of the COL1A1 protein (PMID: 27519266) (PM1_Strong). Multiple computational algorithms predict a deleterious effect for this variant (REVEL score: 0.971) (PP3). This variant is absent from control populations (PM2). Based on the current evidence, this variant is classified as likely pathogenic for autosomal dominant COL1A1-related disorders.

Mayo Clinic Laboratories, Mayo Clinic
Classification: Pathogenic. Last evaluated: 2025-08-13. Review status: criteria provided, single submitter. Criteria: ACMG Guidelines, 2015. Collection method: clinical testing. Allele origin: germline. Observed: 1 variant allele.
Comment: PP3_strong, PM1_strong, PM2_supporting

GeneDx
Classification: Pathogenic. Last evaluated: 2022-12-19. Review status: criteria provided, single submitter. Criteria: GeneDx Variant Classification Process June 2021. Collection method: clinical testing. Allele origin: germline. Affected: yes.
Comment: Occurs in the triple helical domain and replaces the glycine in the canonical Gly-X-Y repeat; missense substitution of a canonical glycine residue is expected to disrupt normal protein folding and function, and this is an established mechanism of disease (HGMD); Not observed at significant frequency in large population cohorts (gnomAD); In silico analysis supports that this missense variant has a deleterious effect on protein structure/function; This variant is associated with the following publications: (PMID: 24077912, 17078022)

Department of Maternal-Fetal Biology, National Research Institute for Child Health and Development
Classification: Likely pathogenic for Osteogenesis imperfecta, perinatal lethal. Last evaluated: 2022-01-01. Review status: criteria provided, single submitter. Criteria: ACMG Guidelines, 2015. Collection method: research. Allele origin: de novo. Affected: yes. Observed: 1 variant allele.

Literature cited by the submitters: PubMed 17078022 (cited by Variantyx, Inc. and Mayo Clinic Laboratories, Mayo Clinic); PubMed 27519266 (cited by Variantyx, Inc.).